The following is an entry in ClinVar:

ClinVar aggregate classification (germline): Likely pathogenic (1 of 4 stars; one submission).

Conditions:
Intellectual developmental disorder, autosomal dominant 51. Also called: MENTAL RETARDATION, AUTOSOMAL DOMINANT 51; Intellectual disability, autosomal dominant 51. Identifiers: Orphanet 684226, MedGen C4540474, MONDO:0030917, OMIM 617788.

Submission:

Institute of Immunology and Genetics Kaiserslautern
Classification: Likely pathogenic for Intellectual developmental disorder, autosomal dominant 51. Last evaluated: 2024-04-16. Review status: criteria provided, single submitter. Criteria: ACMG Guidelines, 2015. Collection method: clinical testing. Allele origin: germline. Affected: yes.
Comment: ACMG Criteria: PM2, PVS1; Variant was found in heterozygous state

NM_017635.5(KMT5B):c.634dup (p.Ile212fs)

Gene: KMT5B (lysine methyltransferase 5B; minus strand). Cytogenetic location: 11q13.2.
Variant type: Duplication.
Coding change: c.634dup on transcript NM_017635.5 (MANE Select); coding-DNA position 634, one base duplicated (A; older notation c.634dupA).
Protein change: p.Ile212fs; shifts the reading frame from isoleucine 212.
Molecular consequence: frameshift variant. On other transcripts: 5 prime UTR variant (1), non-coding transcript variant (3).
Genome position (GRCh38, 1-based): chr11:68,173,823, T duplicated on the plus strand (A on the coding strand, the reverse complement: KMT5B is on the minus strand); the first of 4 consecutive T bases (chr11:68,173,823-68,173,826); duplicating any one gives the same sequence. VCF-style (leftmost placement, unchanged base first): chr11-68173822-A-AT. GRCh37 (hg19) VCF-style: chr11-67941289-A-AT.
Other names: c.118dup, p.Ile40fs (NM_001300907.1, NM_001369424.1, NM_001369428.1 and 5 more transcripts); c.-34dup (NM_001300908.2); c.565dup, p.Ile189fs (NM_001300909.2); c.634dup, p.Ile212fs (NM_001363566.2, NM_001369426.1, NM_001369427.1 and 1 more transcripts); c.421dup, p.Ile141fs (NM_001369425.1); short protein forms I141fs, I189fs, I212fs, I40fs.
Identifiers: ClinVar variation 3235070 (VCV003235070.1), dbSNP rs2495347646, ClinGen allele CA2825002040.